The following is an entry in ClinVar:

NM_001252102.2(KIF21B):c.2507G>A (p.Arg836His)

Gene: KIF21B (kinesin family member 21B; minus strand). Cytogenetic location: 1q32.1.
Variant type: single nucleotide variant.
Coding change: c.2507G>A on transcript NM_001252102.2 (MANE Select); coding-DNA position 2507, G replaced by A.
Protein change: p.Arg836His; replaces arginine 836 with histidine.
Molecular consequence: missense variant.
Genome position (GRCh38, 1-based): chr1:200,991,097, C>T on the plus strand (G>A on the coding strand, the complement: KIF21B is on the minus strand). VCF-style: chr1-200991097-C-T. GRCh37 (hg19) VCF-style: chr1-200960225-C-T.
Other names: c.2507G>A, p.Arg836His (NM_001252100.2, NM_001252103.2, NM_017596.4); short protein forms R836H.
Identifiers: ClinVar variation 3041759 (VCV003041759.2), dbSNP rs141871941, ClinGen allele CA1320952.

ClinVar aggregate classification (germline): Likely benign (0 of 4 stars; one submission).

Conditions:
KIF21B-related disorder. Also called: KIF21B-related disorders; KIF21B-related condition.

Allele frequency attached by ClinVar (database versions not stated): 1000 Genomes Project 0.00060; 1000 Genomes Project 30x 0.00062; ESP Exome Variant Server 0.00246.
gnomAD v4.1: 5,135 of 1,613,940 alleles (0.32%); highest among the groups gnomAD compares: Non-Finnish European, 0.41%; 11 homozygotes.

Submission:

PreventionGenetics, part of Exact Sciences
Classification: Likely benign for KIF21B-related condition. Last evaluated: 2022-02-14. Review status: no assertion criteria provided. Collection method: clinical testing. Allele origin: germline.
Comment: This variant is classified as likely benign based on ACMG/AMP sequence variant interpretation guidelines (Richards et al. 2015 PMID: 25741868, with internal and published modifications).